The following is an entry in ClinVar:

ClinVar aggregate classification (germline): Likely benign (1 of 4 stars; one submission).

Conditions:
SCAPER-related disorder. Also called: SCAPER-related condition.

gnomAD v4.1: 2 of 1,613,912 alleles (0.00012%); highest among the groups gnomAD compares: Admixed American, 0.0017%; no homozygotes.

Submission:

PreventionGenetics, part of Exact Sciences
Classification: Likely benign for SCAPER-related condition. Last evaluated: 2025-09-03. Review status: criteria provided, single submitter. Criteria: ACMG Guidelines, 2015. Collection method: clinical testing. Allele origin: germline.
Comment: This variant is classified as likely benign based on ACMG/AMP sequence variant interpretation guidelines (Richards et al. 2015 PMID: 25741868, with internal and published modifications).

NM_020843.4(SCAPER):c.3822G>T (p.Val1274=)

Gene: SCAPER (S-phase cyclin A associated protein in the ER; minus strand). Cytogenetic location: 15q24.3.
Variant type: single nucleotide variant.
Coding change: c.3822G>T on transcript NM_020843.4 (MANE Select); coding-DNA position 3822, G replaced by T.
Protein change: p.Val1274=; no amino-acid change (valine 1274 retained).
Molecular consequence: synonymous variant. On other transcripts: non-coding transcript variant (1).
Genome position (GRCh38, 1-based): chr15:76,376,195, C>A on the plus strand (G>T on the coding strand, the complement: SCAPER is on the minus strand). VCF-style: chr15-76376195-C-A. GRCh37 (hg19) VCF-style: chr15-76668536-C-A.
Other names: c.3084G>T, p.Val1028= (NM_001145923.2); c.3840G>T, p.Val1280= (NM_001353009.2); c.3420G>T, p.Val1140= (NM_001353010.2, NM_001353012.2); c.3438G>T, p.Val1146= (NM_001353011.2).
Identifiers: ClinVar variation 4979559 (VCV004979559.1).